The following is an entry in ClinVar:

ClinVar aggregate classification (germline): Uncertain significance. Review status: criteria provided, multiple submitters, no conflicts (2 of 4 stars). 2 submissions from 2 submitters: Uncertain significance (2). Last evaluated 2022-08-12.

Conditions:
ALG9 congenital disorder of glycosylation (CDG1L). Also called: ALG9-CDG; CONGENITAL DISORDER OF GLYCOSYLATION, TYPE Il; CDG Il. Identifiers: Orphanet 79328, MedGen C2931006, MONDO:0012117, OMIM 608776.

Allele frequency attached by ClinVar (database versions not stated): ESP Exome Variant Server 0.00023; gnomAD 0.00027 and 0.00030.
gnomAD v4.1: 82 of 1,613,908 alleles (0.0051%); highest among the groups gnomAD compares: African/African-American, 0.086%; no homozygotes.

Submissions (2):

Labcorp Genetics (formerly Invitae), Labcorp
Classification: Uncertain significance for ALG9 congenital disorder of glycosylation. Last evaluated: 2022-08-12. Review status: criteria provided, single submitter. Criteria: Invitae Variant Classification Sherloc (09022015). Collection method: clinical testing. Allele origin: germline.
Comment: This sequence change replaces arginine, which is basic and polar, with glutamine, which is neutral and polar, at codon 369 of the ATP6V0A2 protein (p.Arg369Gln). This variant is present in population databases (rs141310219, gnomAD 0.06%). This variant has not been reported in the literature in individuals affected with ATP6V0A2-related conditions. ClinVar contains an entry for this variant (Variation ID: 1683952). Algorithms developed to predict the effect of missense changes on protein structure and function (SIFT, PolyPhen-2, Align-GVGD) all suggest that this variant is likely to be tolerated. In summary, the available evidence is currently insufficient to determine the role of this variant in disease. Therefore, it has been classified as a Variant of Uncertain Significance.

GeneDx
Classification: Uncertain significance. Last evaluated: 2022-04-11. Review status: criteria provided, single submitter. Criteria: GeneDx Variant Classification Process June 2021. Collection method: clinical testing. Allele origin: germline. Affected: yes.
Comment: In silico analysis supports that this missense variant does not alter protein structure/function; Has not been previously published as pathogenic or benign to our knowledge

NM_012463.4(ATP6V0A2):c.1106G>A (p.Arg369Gln)

Gene: ATP6V0A2 (ATPase H+ transporting V0 subunit a2; plus strand). Cytogenetic location: 12q24.31.
Variant type: single nucleotide variant.
Coding change: c.1106G>A on transcript NM_012463.4 (MANE Select); coding-DNA position 1106, G replaced by A.
Protein change: p.Arg369Gln; replaces arginine 369 with glutamine.
Molecular consequence: missense variant.
Genome position (GRCh38, 1-based): chr12:123,743,852, G>A. VCF-style: chr12-123743852-G-A. GRCh37 (hg19) VCF-style: chr12-124228399-G-A.
Other names: short protein forms R369Q.
Identifiers: ClinVar variation 1683952 (VCV001683952.4), dbSNP rs141310219, ClinGen allele CA6861842.